The following is an entry in ClinVar:

NM_015404.4(WHRN):c.2644C>A (p.Arg882Ser)

Gene: WHRN (whirlin; minus strand). Cytogenetic location: 9q32.
Variant type: single nucleotide variant.
Coding change: c.2644C>A on transcript NM_015404.4 (MANE Select); coding-DNA position 2644, C replaced by A.
Protein change: p.Arg882Ser; replaces arginine 882 with serine.
Molecular consequence: missense variant.
Genome position (GRCh38, 1-based): chr9:114,402,834, G>T on the plus strand (C>A on the coding strand, the complement: WHRN is on the minus strand). VCF-style: chr9-114402834-G-T. GRCh37 (hg19) VCF-style: chr9-117165114-G-T.
Other names: c.1495C>A, p.Arg499Ser (NM_001083885.3); c.2641C>A, p.Arg881Ser (NM_001173425.2); c.1591C>A, p.Arg531Ser (NM_001346890.1); short protein forms R882S, R499S, R881S, R531S.
Identifiers: ClinVar variation 194094 (VCV000194094.39), dbSNP rs150586098, ClinGen allele CA239906.

ClinVar aggregate classification (germline): Conflicting classifications of pathogenicity. Review status: criteria provided, conflicting classifications (1 of 4 stars). 13 submissions from 12 submitters: Likely pathogenic (1); Uncertain significance (8); Likely benign (2). 2 of the submissions do not count toward it. Last evaluated 2026-09-09.

Conditions:
WHRN-related disorder. Also called: WHRN-related condition.
Retinal dystrophy. Also called: Inherited retinal dystrophy. Identifiers: Orphanet 71862, MedGen C0854723, MeSH D058499, MONDO:0019118, HP:0000556.
Autosomal recessive nonsyndromic hearing loss 31. Also called: WHIRLER, MOUSE, HOMOLOG OF. Identifiers: Orphanet 90636, MedGen C1846839, MONDO:0011767, OMIM 607084.
Usher syndrome type 2D. Also called: USHER SYNDROME, TYPE IID. Identifiers: Orphanet 231178, Orphanet 886, MedGen C1568249, MONDO:0012662, OMIM 611383.

Allele frequency attached by ClinVar (database versions not stated): 1000 Genomes Project 30x 0.00016; TOPMed 0.00094; ESP Exome Variant Server 0.00138.
gnomAD v4.1: 395 of 1,614,096 alleles (0.024%); highest among the groups gnomAD compares: African/African-American, 0.27%; no homozygotes.

Submissions (13):

PreventionGenetics, part of Exact Sciences
Classification: Uncertain significance for WHRN-related condition. Last evaluated: 2026-09-09. Review status: criteria provided, single submitter. Criteria: ACMG Guidelines, 2015. Collection method: clinical testing. Allele origin: germline.
Comment: The WHRN c.2644C>A variant is predicted to result in the amino acid substitution p.Arg882Ser. This variant has been reported in cis with c.1943C>A (p.Ser648Tyr) in individuals with symptoms of Usher syndrome (Aller et al. 2010. PubMed ID: 20352026; Audo et al. 2012. PubMed ID: 22277662; listed as p.Arg499Ser, Sloan-Heggen et al. 2016. PubMed ID: 26969326). This variant is reported in 0.30% of alleles in individuals of African descent in gnomAD. Although we suspect that this variant could be benign, at this time, the clinical significance of this variant is uncertain due to the absence of conclusive functional and genetic evidence.

Dasa
Classification: Uncertain significance. Last evaluated: 2026-03-11. Review status: criteria provided, single submitter. Criteria: DASA Assertion Criteria. Collection method: clinical testing. Allele origin: germline.
Comment: NM_015404.4(WHRN):c.2644C>A (p.Arg882Ser) is a missense variant that results in the substitution of arginine with serine. This variant has been recurrently observed in individuals with WHRN-related disorders (PMID: 37811145; PMID: 22277662; PMID: 20352026). Also, this variant is rare in population databases. The currently available literature and clinical evidence are not sufficient to establish a definitive association between this variant and the reported condition. Therefore, this variant is classified as a variant of uncertain significance.

Labcorp Genetics (formerly Invitae), Labcorp
Classification: Likely benign. Last evaluated: 2026-01-26. Review status: criteria provided, single submitter. Criteria: Invitae Variant Classification Sherloc (09022015). Collection method: clinical testing. Allele origin: germline.

GeneDx
Classification: Uncertain significance. Last evaluated: 2025-06-30. Review status: criteria provided, single submitter. Criteria: GeneDx Variant Classification Process June 2021. Collection method: clinical testing. Allele origin: germline. Affected: yes.
Comment: Observed in cis with S648Y in unrelated individuals in the published literature and at GeneDx (PMID: 20352026, 22277662); In silico analysis supports that this missense variant has a deleterious effect on protein structure/function; This variant is associated with the following publications: (PMID: 30245029, 22277662, 26969326, 37811145, 20352026)

Blueprint Genetics
Classification: Likely benign. Last evaluated: 2024-10-22. Review status: criteria provided, single submitter. Criteria: ACMG Guidelines, 2015. Collection method: clinical testing. Allele origin: germline.

Laboratory of Prof. Karen Avraham, Tel Aviv University
Classification: Likely pathogenic for Autosomal recessive nonsyndromic hearing loss 31. Last evaluated: 2024-08-20. Review status: criteria provided, single submitter. Criteria: ACMG Guidelines, 2015. Collection method: research. Allele origin: germline. Affected: yes. Observed: 1 variant allele.

Institute of Human Genetics, Univ. Regensburg, Univ. Regensburg
Classification: Uncertain significance for Retinal dystrophy. Last evaluated: 2023-01-01. Review status: criteria provided, single submitter. Criteria: ACMG Guidelines, 2015. Collection method: clinical testing. Allele origin: germline. Affected: yes.

ARUP Laboratories, Molecular Genetics and Genomics, ARUP Laboratories
Classification: Uncertain significance. Last evaluated: 2019-03-18. Review status: criteria provided, single submitter. Criteria: ARUP Molecular Germline Variant Investigation Process. Collection method: clinical testing. Allele origin: germline.
Comment: The WHRN c.2644C>A; p.Arg882Ser variant (rs150586098; ClinVar Variation ID: 194094) is found in the general population with an overall allele frequency of 0.04% (112/281,334 alleles) in the Genome Aggregation Database. The arginine at position 882 is moderately conserved (Alamut software v2.11) and computational analyses (SIFT, PolyPhen-2) of the effects of the p.Arg882Ser variant on protein structure and function predict a deleterious effect.

Illumina Laboratory Services, Illumina
Classification: Uncertain significance for Autosomal recessive nonsyndromic hearing loss 31. Last evaluated: 2017-04-27. Review status: criteria provided, single submitter. Criteria: ICSL Variant Classification Criteria 13 December 2019. Collection method: clinical testing. Allele origin: germline.

Illumina Laboratory Services, Illumina
Classification: Uncertain significance for Usher syndrome type 2D. Last evaluated: 2017-04-27. Review status: criteria provided, single submitter. Criteria: ICSL Variant Classification Criteria 13 December 2019. Collection method: clinical testing. Allele origin: germline.
Comment: This variant was observed as part of a predisposition screen in an ostensibly healthy population. A literature search was performed for the gene, cDNA change, and amino acid change (where applicable). Publications were found based on this search. However, the evidence from the literature, in combination with allele frequency data from public databases where available, was not sufficient to rule this variant in or out of causing disease. Therefore, this variant is classified as a variant of unknown significance.

Eurofins Ntd Llc (ga)
Classification: Uncertain significance. Last evaluated: 2014-12-19. Review status: criteria provided, single submitter. Criteria: EGL Classification Definitions 2015. Collection method: clinical testing. Allele origin: germline. Observed: 1 variant allele, 1 heterozygote.

Clinical Genetics DNA and cytogenetics Diagnostics Lab, Erasmus MC, Erasmus Medical Center
Classification: Uncertain significance. Review status: no assertion criteria provided. Collection method: clinical testing. Allele origin: germline. Affected: yes. Study: VKGL Data-share Consensus. Not counted in ClinVar's aggregate classification.

Clinical Genetics, Academic Medical Center
Classification: Uncertain significance. Review status: no assertion criteria provided. Collection method: clinical testing. Allele origin: germline. Affected: yes. Study: VKGL Data-share Consensus. Not counted in ClinVar's aggregate classification.

Literature cited by the submitters: PubMed 37811145 (cited by Dasa); PubMed 22277662 (cited by Dasa and Institute of Human Genetics, Univ. Regensburg, Univ. Regensburg); PubMed 20352026 (cited by 3 submitters); PubMed 26969326 (cited by Institute of Human Genetics, Univ. Regensburg, Univ. Regensburg); PubMed 30245029 (cited by Institute of Human Genetics, Univ. Regensburg, Univ. Regensburg).